The following is an entry in ClinVar:

ClinVar aggregate classification (germline): Uncertain significance (1 of 4 stars; one submission).

Conditions:
Brain small vessel disease 1 with or without ocular anomalies (BSVD1). Also called: PORENCEPHALY, TYPE 1, AUTOSOMAL DOMINANT; GOULD SYNDROME 1; BRAIN SMALL VESSEL DISEASE WITH HEMORRHAGE; Brain small vessel disease with or without ocular anomalies. Identifiers: Orphanet 2940, Orphanet 36383, Orphanet 99810, MedGen C4755307, MONDO:0008289, OMIM 175780.

Submission:

3billion
Classification: Uncertain significance for Brain small vessel disease 1 with or without ocular anomalies. Last evaluated: 2025-08-13. Review status: criteria provided, single submitter. Criteria: ACMG Guidelines, 2015. Collection method: clinical testing. Allele origin: germline. Affected: yes.
Comment: The variant is not observed in the gnomAD v4.1.0 dataset. Predicted Consequence/Location: Missense variant In silico tool predictions suggest damaging effect of the variant on gene or gene product [REVEL: 0.88 (>=0.6, sensitivity 0.68 and specificity 0.92)]. A different missense change at the same codon (p.Gly749Ser) has been reported to be associated with COL4A1-related disorder (ClinVar ID: VCV000017413 /PMID: 15905400). Therefore, this variant is classified as VUS according to the recommendation of ACMG/AMP guideline.

Literature cited by the submitters: PubMed 15905400.

NM_001845.6(COL4A1):c.2246G>T (p.Gly749Val)

Gene: COL4A1 (collagen type IV alpha 1 chain; minus strand). Cytogenetic location: 13q34.
Variant type: single nucleotide variant.
Coding change: c.2246G>T on transcript NM_001845.6 (MANE Select); coding-DNA position 2246, G replaced by T.
Protein change: p.Gly749Val; replaces glycine 749 with valine.
Molecular consequence: missense variant.
Genome position (GRCh38, 1-based): chr13:110,179,369, C>A on the plus strand (G>T on the coding strand, the complement: COL4A1 is on the minus strand). VCF-style: chr13-110179369-C-A. GRCh37 (hg19) VCF-style: chr13-110831716-C-A.
Other names: short protein forms G749V.
Identifiers: ClinVar variation 4855127 (VCV004855127.1).